The following is an entry in ClinVar:

ClinVar aggregate classification (germline): Pathogenic (1 of 4 stars; one submission).

Submission:

Labcorp Genetics (formerly Invitae), Labcorp
Classification: Pathogenic. Last evaluated: 2019-11-13. Review status: criteria provided, single submitter. Criteria: Invitae Variant Classification Sherloc (09022015). Collection method: clinical testing. Allele origin: germline.
Comment: This variant is a gross deletion of the genomic region encompassing exon 1 of the COL4A3 gene, which includes the initiator codon. The 5' end of this event is unknown as it extends beyond the assayed region for this gene and therefore may encompass additional genes. The 3' boundary is likely confined to intron 1 of the COL4A3 gene. This is expected to result in an absent or disrupted protein product. A similar copy number variant has been observed in cis with the deletion of exons 1-4 of the COL4A4 gene in individual(s) with autosomal dominant Alport syndrome (PMID: 25575550). Loss-of-function variants in COL4A3 are known to be pathogenic (PMID: 8956999, 24854265, 26809805, 27281700). For these reasons, this variant has been classified as Pathogenic.

Literature cited by the submitters: PubMed 25575550.

NC_000002.12:g.(?_227140151)_(227164823_?)del

Genes: COL4A3 (collagen type IV alpha 3 chain; plus strand), COL4A4 (collagen type IV alpha 4 chain; minus strand). Cytogenetic location: 2q36.3.
Variant type: Deletion.
Identifiers: ClinVar variation 830892 (VCV000830892.1).